The following is an entry in ClinVar:

NM_017882.3(CLN6):c.559C>A (p.Leu187Ile)

Gene: CLN6 (CLN6 transmembrane ER protein; minus strand). Cytogenetic location: 15q23.
Variant type: single nucleotide variant.
Coding change: c.559C>A on transcript NM_017882.3 (MANE Select); coding-DNA position 559, C replaced by A.
Protein change: p.Leu187Ile; replaces leucine 187 with isoleucine.
Molecular consequence: missense variant.
Genome position (GRCh38, 1-based): chr15:68,209,743, G>T on the plus strand (C>A on the coding strand, the complement: CLN6 is on the minus strand). VCF-style: chr15-68209743-G-T. GRCh37 (hg19) VCF-style: chr15-68502081-G-T.
Other names: c.655C>A, p.Leu219Ile (NM_001411068.1); short protein forms L187I, L219I.
Identifiers: ClinVar variation 4281001 (VCV004281001.7).

ClinVar aggregate classification (germline): Uncertain significance (1 of 4 stars; one submission).

Submission:

CeGaT Center for Human Genetics Tuebingen
Classification: Uncertain significance. Last evaluated: 2025-09-01. Review status: criteria provided, single submitter. Criteria: CeGaT Center For Human Genetics Tuebingen Variant Classification Criteria Version 2. Collection method: clinical testing. Allele origin: germline. Affected: yes. Observed: 1 variant allele.
Comment: CLN6: PM2, PM5